The following is an entry in ClinVar:

ClinVar aggregate classification (germline): Likely benign. Review status: criteria provided, multiple submitters, no conflicts (2 of 4 stars). 2 submissions from 2 submitters: Likely benign (2). Last evaluated 2025-10-03.

Conditions:
Familial thoracic aortic aneurysm and aortic dissection (TAAD). Also called: Thoracic aortic aneurysms and dissections. Identifiers: Orphanet 91387, MedGen C4707243, MONDO:0019625.
Aneurysm-osteoarthritis syndrome. Also called: SMAD3-Related Loeys-Dietz Syndrome; Loeys-Dietz syndrome, type 1C; ANEURYSMS-OSTEOARTHRITIS SYNDROME; LOEYS-DIETZ SYNDROME WITH OSTEOARTHRITIS. Identifiers: Orphanet 284984, MedGen C3151087, MONDO:0013426, OMIM 613795.

Allele frequency attached by ClinVar (database versions not stated): TOPMed below 0.00001.
gnomAD v4.1: 5 of 1,612,946 alleles (0.00031%); highest among the groups gnomAD compares: Non-Finnish European, 0.00034%; no homozygotes.

Submissions (2):

Labcorp Genetics (formerly Invitae), Labcorp
Classification: Likely benign for Familial thoracic aortic aneurysm and aortic dissection. Last evaluated: 2025-10-03. Review status: criteria provided, single submitter. Criteria: Invitae Variant Classification Sherloc (09022015). Collection method: clinical testing. Allele origin: germline.

All of Us Research Program, National Institutes of Health
Classification: Likely benign for Aneurysm-osteoarthritis syndrome. Last evaluated: 2024-04-16. Review status: criteria provided, single submitter. Criteria: ACMG Guidelines, 2015. Collection method: clinical testing. Allele origin: germline. Inheritance: Autosomal dominant inheritance. Observed: 2 variant alleles, 2 heterozygotes.
Comment: This study involves interpretation of variants in research participants for the purpose of population health screening. Participant phenotype was not available at the time of variant classification. Additional details can be found in publication PMID: 35346344, PMCID: PMC8962531

NM_005902.4(SMAD3):c.1002C>T (p.Ile334=)

Gene: SMAD3 (SMAD family member 3; plus strand). Cytogenetic location: 15q22.33.
Variant type: single nucleotide variant.
Coding change: c.1002C>T on transcript NM_005902.4 (MANE Select); coding-DNA position 1002, C replaced by T.
Protein change: p.Ile334=; no amino-acid change (isoleucine 334 retained).
Molecular consequence: synonymous variant. On other transcripts: intron variant (1).
Genome position (GRCh38, 1-based): chr15:67,184,857, C>T. VCF-style: chr15-67184857-C-T. GRCh37 (hg19) VCF-style: chr15-67477195-C-T.
Other names: c.687C>T, p.Ile229= (NM_001145102.2, NM_001407016.1); c.870C>T, p.Ile290= (NM_001145103.2, NM_001407012.1); c.417C>T, p.Ile139= (NM_001145104.2, NM_001407017.1); c.1002C>T, p.Ile334= (NM_001407011.1); c.855C>T, p.Ile285= (NM_001407014.1); c.555C>T, p.Ile185= (NM_001407015.1); c.872-2508C>T (NM_001407013.1).
Identifiers: ClinVar variation 2724781 (VCV002724781.5), dbSNP rs748178271, ClinGen allele CA490916637.
Genomic context (GRCh38, chr15:67,184,857, plus strand): 5'-TGTCCAGTCTCCCAACTGTAACCAGCGCTATGGCTGGCACCCGGCCACCGTCTGCAAGAT[C>T]CCACCAGGTAAACGAGCCGCACAGGCACCCCTGCCTTGAGGTCCCTCTCCGAGTGCATGC-3'
Protein context (NP_005893.1, residues 324-344): YGWHPATVCK[Ile334=]PPGCNLKIFN